The following is an entry in ClinVar:

ClinVar aggregate classification (germline): Likely pathogenic (1 of 4 stars; one submission).

Conditions:
Leigh syndrome (NULS). Also called: Leigh's syndrome; Leigh Disease; Subacute necrotizing encephalopathy; Necrotizing encephalopathy infantile subacute of Leigh; LEIGH SYNDROME, NUCLEAR; Leigh's necrotizing encephalopathy. Identifiers: Orphanet 506, MedGen C2931891, MONDO:0009723, OMIM 256000.

Submission:

Labcorp Genetics (formerly Invitae), Labcorp
Classification: Likely pathogenic for Leigh syndrome. Last evaluated: 2026-01-18. Review status: criteria provided, single submitter. Criteria: Invitae Variant Classification Sherloc (09022015). Collection method: clinical testing. Allele origin: germline.
Comment: This sequence change replaces glycine, which is neutral and non-polar, with glutamic acid, which is acidic and polar, at codon 257 of the SURF1 protein (p.Gly257Glu). This variant is not present in population databases (gnomAD no frequency). This variant has not been reported in the literature in individuals affected with SURF1-related conditions. Invitae Evidence Modeling of protein sequence and biophysical properties (such as structural, functional, and spatial information, amino acid conservation, physicochemical variation, residue mobility, and thermodynamic stability) indicates that this missense variant is expected to disrupt SURF1 protein function with a positive predictive value of 95%. This variant disrupts the p.Gly257 amino acid residue in SURF1. Other variant(s) that disrupt this residue have been determined to be pathogenic (PMID: 22488715, 33013660, 33134083). This suggests that this residue is clinically significant, and that variants that disrupt this residue are likely to be disease-causing. In summary, the currently available evidence indicates that the variant is pathogenic, but additional data are needed to prove that conclusively. Therefore, this variant has been classified as Likely Pathogenic.

Literature cited by the submitters: PubMed 22488715; PubMed 33013660; PubMed 33134083.

NM_003172.4(SURF1):c.770G>A (p.Gly257Glu)

Gene: SURF1 (SURF1 cytochrome c oxidase assembly factor; minus strand). Cytogenetic location: 9q34.2.
Variant type: single nucleotide variant.
Coding change: c.770G>A on transcript NM_003172.4 (MANE Select); coding-DNA position 770, G replaced by A.
Protein change: p.Gly257Glu; replaces glycine 257 with glutamic acid.
Molecular consequence: missense variant.
Genome position (GRCh38, 1-based): chr9:133,352,124, C>T on the plus strand (G>A on the coding strand, the complement: SURF1 is on the minus strand). VCF-style: chr9-133352124-C-T. GRCh37 (hg19) VCF-style: chr9-136218979-C-T.
Other names: c.443G>A, p.Gly148Glu (NM_001280787.1); short protein forms G148E, G257E.
Identifiers: ClinVar variation 4775086 (VCV004775086.1).